The following is an entry in ClinVar:

ClinVar aggregate classification (germline): Uncertain significance (1 of 4 stars; one submission).

Conditions:
Familial hypercholesterolemia. Also called: Familial hypercholesterolaemia. Identifiers: MedGen C0020445, MONDO:0005439.

Submission:

Color Diagnostics, LLC DBA Color Health
Classification: Uncertain significance for Familial hypercholesterolemia. Last evaluated: 2025-07-14. Review status: criteria provided, single submitter. Criteria: ACMG Guidelines, 2015. Collection method: clinical testing. Allele origin: germline.
Comment: This variant causes an in-frame deletion of one amino acid at exon 3 of the PCSK9 protein. To our knowledge, functional studies have not been reported for this variant. This variant has not been reported in individuals affected with PCSK9-related disorders in the literature. This variant has not been identified in the general population by the Genome Aggregation Database (gnomAD). The available evidence is insufficient to determine the role of this variant in disease conclusively. Therefore, this variant is classified as a Variant of Uncertain Significance.

NM_174936.4(PCSK9):c.432GGA[1] (p.Glu145del)

Gene: PCSK9 (proprotein convertase subtilisin/kexin type 9; plus strand). Cytogenetic location: 1p32.3.
Variant type: Microsatellite.
Coding change: c.432GGA[1] on transcript NM_174936.4 (MANE Select); one copy of the 3-base unit GGA starting at c.432; the reference has two copies in a row; one copy, 3 bases deleted; also written c.435_437del.
Protein change: p.Glu145del; deletes glutamic acid 145.
Molecular consequence: non-coding transcript variant (on NR_176319.1). On other transcripts: intron variant (1).
Genome position (GRCh38, 1-based): chr1:55,046,558-55,046,560, GGA deleted; deleting any 3 consecutive bases within chr1:55,046,553-55,046,560 gives the same sequence; the position shown is the placement nearest the transcript's 3' end. VCF-style (leftmost placement, unchanged base first): chr1-55046552-CGAG-C. GRCh37 (hg19) VCF-style: chr1-55512225-CGAG-C.
Other names: c.435_437del (NM_174936.4); c.555GGA[1], p.Glu186del (NM_001407240.1); c.432GGA[1], p.Glu145del (NM_001407241.1, NM_001407242.1, NM_001407244.1 and 1 more transcripts); c.240GGA[1], p.Glu81del (NM_001407245.1); c.57GGA[1], p.Glu20del (NM_001407246.1); c.400-22_400-20del (NM_001407243.1); short protein forms E145del, E186del, E20del, E81del.
Identifiers: ClinVar variation 4757534 (VCV004757534.1).